The following is an entry in ClinVar:

NM_024577.4(SH3TC2):c.442T>G (p.Cys148Gly)

Gene: SH3TC2 (SH3 domain and tetratricopeptide repeats 2; minus strand). Cytogenetic location: 5q32.
Variant type: single nucleotide variant.
Coding change: c.442T>G on transcript NM_024577.4 (MANE Select); coding-DNA position 442, T replaced by G.
Protein change: p.Cys148Gly; replaces cysteine 148 with glycine.
Molecular consequence: missense variant.
Genome position (GRCh38, 1-based): chr5:149,042,781, A>C on the plus strand (T>G on the coding strand, the complement: SH3TC2 is on the minus strand). VCF-style: chr5-149042781-A-C. GRCh37 (hg19) VCF-style: chr5-148422344-A-C.
Other names: c.442T>G (NM_024577.3); short protein forms C148G.
Identifiers: ClinVar variation 1464790 (VCV001464790.8), dbSNP rs748071430, ClinGen allele CA3499502.

ClinVar aggregate classification (germline): Conflicting classifications of pathogenicity. Review status: criteria provided, conflicting classifications (1 of 4 stars). 3 submissions from 3 submitters: Uncertain significance (2); Likely benign (1). Last evaluated 2026-04-24.

Conditions:
Charcot-Marie-Tooth disease type 4. Also called: Charcot-Marie-Tooth, Type 4; Charcot-Marie-Tooth disease, type IV. Identifiers: Orphanet 64749, MedGen C4082197, MONDO:0018995.

Allele frequency attached by ClinVar (database versions not stated): gnomAD exomes 0.00001 and 0.00002; gnomAD 0.00002; TOPMed 0.00002; ExAC 0.00001.
gnomAD v4.1: 37 of 1,614,078 alleles (0.0023%); highest among the groups gnomAD compares: African/African-American, 0.004%; no homozygotes.

Submissions (3):

GeneDx
Classification: Uncertain significance. Last evaluated: 2026-04-24. Review status: criteria provided, single submitter. Criteria: GeneDx Variant Classification Process June 2021. Collection method: clinical testing. Allele origin: germline.
Comment: Not observed at significant frequency in large population cohorts (gnomAD); In silico analysis suggests that this missense variant does not alter protein structure/function; Has not been previously published as pathogenic or benign to our knowledge

Labcorp Genetics (formerly Invitae), Labcorp
Classification: Likely benign for Charcot-Marie-Tooth disease type 4. Last evaluated: 2023-07-17. Review status: criteria provided, single submitter. Criteria: Invitae Variant Classification Sherloc (09022015). Collection method: clinical testing. Allele origin: germline.

Blueprint Genetics
Classification: Uncertain significance. Last evaluated: 2017-07-14. Review status: criteria provided, single submitter. Criteria: ACMG Guidelines, 2015. Collection method: clinical testing. Allele origin: germline.